The following is an entry in ClinVar:

ClinVar aggregate classification (germline): Uncertain significance (1 of 4 stars; one submission).

Conditions:
D-2-hydroxyglutaric aciduria 1 (D2HGA1). Identifiers: Orphanet 79315, MedGen C3152055, MONDO:0024554, OMIM 600721.

Submission:

Labcorp Genetics (formerly Invitae), Labcorp
Classification: Uncertain significance for D-2-hydroxyglutaric aciduria 1. Last evaluated: 2022-11-22. Review status: criteria provided, single submitter. Criteria: Invitae Variant Classification Sherloc (09022015). Collection method: clinical testing. Allele origin: germline.
Comment: This variant is not present in population databases (gnomAD no frequency). This sequence change replaces glutamic acid, which is acidic and polar, with valine, which is neutral and non-polar, at codon 387 of the D2HGDH protein (p.Glu387Val). This variant has not been reported in the literature in individuals affected with D2HGDH-related conditions. In summary, the available evidence is currently insufficient to determine the role of this variant in disease. Therefore, it has been classified as a Variant of Uncertain Significance. Advanced modeling of protein sequence and biophysical properties (such as structural, functional, and spatial information, amino acid conservation, physicochemical variation, residue mobility, and thermodynamic stability) performed at Invitae indicates that this missense variant is expected to disrupt D2HGDH protein function.

NM_152783.5(D2HGDH):c.1160A>T (p.Glu387Val)

Gene: D2HGDH (D-2-hydroxyglutarate dehydrogenase; plus strand). Cytogenetic location: 2q37.3.
Variant type: single nucleotide variant.
Coding change: c.1160A>T on transcript NM_152783.5 (MANE Select); coding-DNA position 1160, A replaced by T.
Protein change: p.Glu387Val; replaces glutamic acid 387 with valine.
Molecular consequence: missense variant. On other transcripts: non-coding transcript variant (1).
Genome position (GRCh38, 1-based): chr2:241,755,868, A>T. VCF-style: chr2-241755868-A-T. GRCh37 (hg19) VCF-style: chr2-242695283-A-T.
Other names: c.758A>T, p.Glu253Val (NM_001287249.2); c.599A>T, p.Glu200Val (NM_001352824.2); short protein forms E200V, E253V, E387V.
Identifiers: ClinVar variation 1715844 (VCV001715844.5), dbSNP rs2549971219, ClinGen allele CA351412136.